The following is an entry in ClinVar:

ClinVar aggregate classification (germline): Uncertain significance (1 of 4 stars; one submission).

Conditions:
Hereditary cancer-predisposing syndrome. Also called: Tumor predisposition; Hereditary Cancer Syndrome; Neoplastic Syndromes, Hereditary; Hereditary neoplastic syndrome. Identifiers: Orphanet 140162, MedGen C0027672, MeSH D009386, MONDO:0015356.

Submission:

Ambry Genetics
Classification: Uncertain significance for Hereditary cancer-predisposing syndrome. Last evaluated: 2026-07-28. Review status: criteria provided, single submitter. Criteria: Ambry Variant Classification Scheme 2023. Collection method: clinical testing. Allele origin: germline.
Comment: The p.L961P variant (also known as c.2882T>C), located in coding exon 17 of the PTCH1 gene, results from a T to C substitution at nucleotide position 2882. The leucine at codon 961 is replaced by proline, an amino acid with similar properties. This amino acid position is highly conserved in available vertebrate species. In addition, this alteration is predicted to be deleterious by in silico analysis. Based on the available evidence, the clinical significance of this variant remains unclear.

NM_000264.5(PTCH1):c.2882T>C (p.Leu961Pro)

Gene: PTCH1 (patched 1; minus strand). Cytogenetic location: 9q22.32.
Variant type: single nucleotide variant.
Coding change: c.2882T>C on transcript NM_000264.5 (MANE Select); coding-DNA position 2882, T replaced by C.
Protein change: p.Leu961Pro; replaces leucine 961 with proline.
Molecular consequence: missense variant. On other transcripts: non-coding transcript variant (1).
Genome position (GRCh38, 1-based): chr9:95,459,605, A>G on the plus strand (T>C on the coding strand, the complement: PTCH1 is on the minus strand). VCF-style: chr9-95459605-A-G. GRCh37 (hg19) VCF-style: chr9-98221887-A-G.
Other names: c.2684T>C, p.Leu895Pro (NM_001083602.3); c.2879T>C, p.Leu960Pro (NM_001083603.3); c.2429T>C, p.Leu810Pro (NM_001083604.3, NM_001083605.3, NM_001083606.3 and 1 more transcripts); c.2726T>C, p.Leu909Pro (NM_001354918.2); short protein forms L960P, L810P, L895P, L909P, L961P.
Identifiers: ClinVar variation 821931 (VCV000821931.5), dbSNP rs1588544210, ClinGen allele CA374112875.